The following is an entry in ClinVar:

NM_005097.4(LGI1):c.989G>A (p.Arg330Gln)

Gene: LGI1 (leucine rich glioma inactivated 1; plus strand). Cytogenetic location: 10q23.33.
Variant type: single nucleotide variant.
Coding change: c.989G>A on transcript NM_005097.4 (MANE Select); coding-DNA position 989, G replaced by A.
Protein change: p.Arg330Gln; replaces arginine 330 with glutamine.
Molecular consequence: missense variant. On other transcripts: non-coding transcript variant (1), intron variant (1).
Genome position (GRCh38, 1-based): chr10:93,797,118, G>A. VCF-style: chr10-93797118-G-A. GRCh37 (hg19) VCF-style: chr10-95556875-G-A.
Other names: c.845G>A, p.Arg282Gln (NM_001308276.2); c.839-631G>A (NM_001308275.2); short protein forms R282Q, R330Q.
Identifiers: ClinVar variation 1521255 (VCV001521255.8), dbSNP rs745852819, ClinGen allele CA5611213.
Genomic context (GRCh38, chr10:93,797,118, plus strand): 5'-AGCGAGACAGTTTTGCAAATAAATTCATAAAAATCCAGGATATTGAAATTCTCAAAATCC[G>A]AAAACCCAATGACATTGAAACATTCAAGATTGAAAACAACTGGTACTTTGTTGTTGCTGA-3'
Protein context (NP_005088.1, residues 320-340): KIQDIEILKI[Arg330Gln]KPNDIETFKI

ClinVar aggregate classification (germline): Uncertain significance (1 of 4 stars; one submission).

Conditions:
Autosomal dominant epilepsy with auditory features. Identifiers: Orphanet 101046, MedGen C1838062, MONDO:0010898.

Allele frequency attached by ClinVar (database versions not stated): gnomAD 0.00001 and 0.00002; gnomAD exomes 0.00002 and 0.00004; TOPMed 0.00002; ExAC 0.00004.

Submission:

Labcorp Genetics (formerly Invitae), Labcorp
Classification: Uncertain significance for Autosomal dominant epilepsy with auditory features. Last evaluated: 2024-12-16. Review status: criteria provided, single submitter. Criteria: Invitae Variant Classification Sherloc (09022015). Collection method: clinical testing. Allele origin: germline.
Comment: This sequence change replaces arginine, which is basic and polar, with glutamine, which is neutral and polar, at codon 330 of the LGI1 protein (p.Arg330Gln). This variant is present in population databases (rs745852819, gnomAD 0.02%). This variant has not been reported in the literature in individuals affected with LGI1-related conditions. ClinVar contains an entry for this variant (Variation ID: 1521255). Invitae Evidence Modeling of protein sequence and biophysical properties (such as structural, functional, and spatial information, amino acid conservation, physicochemical variation, residue mobility, and thermodynamic stability) indicates that this missense variant is not expected to disrupt LGI1 protein function with a negative predictive value of 80%. In summary, the available evidence is currently insufficient to determine the role of this variant in disease. Therefore, it has been classified as a Variant of Uncertain Significance.